The following is an entry in ClinVar:

ClinVar aggregate classification (germline): Likely benign (1 of 4 stars; one submission).

Submission:

CeGaT Center for Human Genetics Tuebingen
Classification: Likely benign. Last evaluated: 2025-10-01. Review status: criteria provided, single submitter. Criteria: CeGaT Center For Human Genetics Tuebingen Variant Classification Criteria Version 2. Collection method: clinical testing. Allele origin: germline. Affected: yes. Observed: 2 variant alleles.
Comment: NAXE: BS1

NC_000001.11:g.156601592T>C

Genes: HAPLN2 (hyaluronan and proteoglycan link protein 2; plus strand), NAXE (NAD(P)HX epimerase; plus strand). Cytogenetic location: 1q23.1.
Variant type: single nucleotide variant.
Genome position: GRCh38 VCF-style: chr1-156601592-T-C. GRCh37 (hg19) VCF-style: chr1-156571384-T-C.
Identifiers: ClinVar variation 3777904 (VCV003777904.7).
Genomic context (GRCh38, chr1:156,601,592, plus strand): 5'-AAAATCACGGTTTTTCCAGGAGAAACCATTGCGGAGCCCAATTTGCCGGTATGGTTGCCA[T>C]AGAAACTGGGACCTGGAGCGTGCCCATTTTCGGAGGTTCCGAGGCTGTTCCACTTGCCTC-3'